The following is an entry in ClinVar:

ClinVar aggregate classification (germline): Conflicting classifications of pathogenicity. Review status: criteria provided, conflicting classifications (1 of 4 stars). 2 submissions from 2 submitters: Likely pathogenic (1); Uncertain significance (1). Last evaluated 2022-07-20.

Conditions:
Bethlem myopathy 1A. Also called: MYOPATHY, BENIGN CONGENITAL, WITH CONTRACTURES; Bethlem Muscular Dystrophy; Bethlem myopathy 1. Identifiers: Orphanet 610, MedGen CN029274, MONDO:0024530, OMIM 158810.

Submissions (2):

Labcorp Genetics (formerly Invitae), Labcorp
Classification: Uncertain significance for Bethlem myopathy 1A. Last evaluated: 2022-07-20. Review status: criteria provided, single submitter. Criteria: Invitae Variant Classification Sherloc (09022015). Collection method: clinical testing. Allele origin: germline.
Comment: This sequence change replaces glycine, which is neutral and non-polar, with cysteine, which is neutral and slightly polar, at codon 2071 of the COL6A3 protein (p.Gly2071Cys). This variant is not present in population databases (gnomAD no frequency). This variant has not been reported in the literature in individuals affected with COL6A3-related conditions. ClinVar contains an entry for this variant (Variation ID: 1324146). Algorithms developed to predict the effect of missense changes on protein structure and function (SIFT, PolyPhen-2, Align-GVGD) all suggest that this variant is likely to be disruptive. Algorithms developed to predict the effect of sequence changes on RNA splicing suggest that this variant may create or strengthen a splice site. This variant disrupts the triple helix domain of COL6A3. Glycine residues within the Gly-Xaa-Yaa repeats of the triple helix domain are required for the structure and stability of fibrillar collagens (PMID: 7695699, 8218237, 19344236). In COL6A3, missense variants at these glycine residues are significantly enriched in individuals with autosomal dominant disease (PMID: 15689448, 24038877) compared to the general population (ExAC). This variant disrupts the p.Gly2071 amino acid residue in COL6A3. Other variant(s) that disrupt this residue have been determined to be pathogenic (PMID: 28688748, 34167565). This suggests that this residue is clinically significant, and that variants that disrupt this residue are likely to be disease-causing. In summary, the available evidence is currently insufficient to determine the role of this variant in disease. Therefore, it has been classified as a Variant of Uncertain Significance.

Revvity Omics, Revvity
Classification: Likely pathogenic. Last evaluated: 2019-10-14. Review status: criteria provided, single submitter. Criteria: ACMG Guidelines, 2015. Collection method: clinical testing. Allele origin: germline.

Literature cited by the submitters: PubMed 7695699 (cited by Labcorp Genetics (formerly Invitae), Labcorp); PubMed 8218237 (cited by Labcorp Genetics (formerly Invitae), Labcorp); PubMed 19344236 (cited by Labcorp Genetics (formerly Invitae), Labcorp); PubMed 15689448 (cited by Labcorp Genetics (formerly Invitae), Labcorp); PubMed 24038877 (cited by Labcorp Genetics (formerly Invitae), Labcorp); PubMed 28688748 (cited by Labcorp Genetics (formerly Invitae), Labcorp); PubMed 34167565 (cited by Labcorp Genetics (formerly Invitae), Labcorp).

NM_004369.4(COL6A3):c.6211G>T (p.Gly2071Cys)

Gene: COL6A3 (collagen type VI alpha 3 chain; minus strand). Cytogenetic location: 2q37.3.
Variant type: single nucleotide variant.
Coding change: c.6211G>T on transcript NM_004369.4 (MANE Select); coding-DNA position 6211, G replaced by T.
Protein change: p.Gly2071Cys; replaces glycine 2071 with cysteine.
Molecular consequence: missense variant.
Genome position (GRCh38, 1-based): chr2:237,360,159, C>A on the plus strand (G>T on the coding strand, the complement: COL6A3 is on the minus strand). VCF-style: chr2-237360159-C-A. GRCh37 (hg19) VCF-style: chr2-238268802-C-A.
Other names: c.4390G>T, p.Gly1464Cys (NM_057166.5); c.5593G>T, p.Gly1865Cys (NM_057167.4); short protein forms G1464C, G1865C, G2071C.
Identifiers: ClinVar variation 1324146 (VCV001324146.8), dbSNP rs2106342311, ClinGen allele CA351216776.